The following is an entry in ClinVar:

ClinVar aggregate classification (germline): Uncertain significance (0 of 4 stars; one submission).

Conditions:
Prostate cancer. Also called: Malignant tumor of prostate. Identifiers: Orphanet 1331, MedGen C0376358, MONDO:0008315, HP:0012125.

Submission:

Science for Life laboratory,  Karolinska Institutet
Classification: Uncertain significance for Malignant tumor of prostate. Review status: no assertion criteria provided. Collection method: not provided. Allele origin: somatic.
Comment: TumorID:SWE-1
ClinVar note: Converted during submission from Unknown to Uncertain significance.

NM_002336.3(LRP6):c.3241C>G (p.Pro1081Ala)

Gene: LRP6 (LDL receptor related protein 6; minus strand). Cytogenetic location: 12p13.2.
Variant type: single nucleotide variant.
Coding change: c.3241C>G on transcript NM_002336.3 (MANE Select); coding-DNA position 3241, C replaced by G.
Protein change: p.Pro1081Ala; replaces proline 1081 with alanine.
Molecular consequence: missense variant.
Genome position (GRCh38, 1-based): chr12:12,147,522, G>C on the plus strand (C>G on the coding strand, the complement: LRP6 is on the minus strand). VCF-style: chr12-12147522-G-C. GRCh37 (hg19) VCF-style: chr12-12300456-G-C.
Other names: short protein forms P1081A.
Identifiers: ClinVar variation 161594 (VCV000161594.2), dbSNP rs193920743, ClinGen allele CA174413.